The following is an entry in ClinVar:

ClinVar aggregate classification (germline): Uncertain significance (1 of 4 stars; one submission).

gnomAD v4.1: 4 of 1,612,032 alleles (0.00025%); highest among the groups gnomAD compares: African/African-American, 0.0027%; no homozygotes.

Submission:

Labcorp Genetics (formerly Invitae), Labcorp
Classification: Uncertain significance. Last evaluated: 2025-11-17. Review status: criteria provided, single submitter. Criteria: Invitae Variant Classification Sherloc (09022015). Collection method: clinical testing. Allele origin: germline.
Comment: This sequence change replaces glutamic acid, which is acidic and polar, with lysine, which is basic and polar, at codon 425 of the KRT17 protein (p.Glu425Lys). This variant is not present in population databases (gnomAD no frequency). This variant has not been reported in the literature in individuals affected with KRT17-related conditions. Invitae Evidence Modeling of protein sequence and biophysical properties (such as structural, functional, and spatial information, amino acid conservation, physicochemical variation, residue mobility, and thermodynamic stability) indicates that this missense variant is not expected to disrupt KRT17 protein function with a negative predictive value of 95%. In summary, the available evidence is currently insufficient to determine the role of this variant in disease. Therefore, it has been classified as a Variant of Uncertain Significance.

NM_000422.3(KRT17):c.1273G>A (p.Glu425Lys)

Gene: KRT17 (keratin 17; minus strand). Cytogenetic location: 17q21.2.
Variant type: single nucleotide variant.
Coding change: c.1273G>A on transcript NM_000422.3 (MANE Select); coding-DNA position 1273, G replaced by A.
Protein change: p.Glu425Lys; replaces glutamic acid 425 with lysine.
Molecular consequence: missense variant.
Genome position (GRCh38, 1-based): chr17:41,619,620, C>T on the plus strand (G>A on the coding strand, the complement: KRT17 is on the minus strand). VCF-style: chr17-41619620-C-T. GRCh37 (hg19) VCF-style: chr17-39775872-C-T.
Other names: short protein forms E425K.
Identifiers: ClinVar variation 4765580 (VCV004765580.1).